The following is an entry in ClinVar:

NM_004304.5(ALK):c.997A>G (p.Ile333Val)

Gene: ALK (ALK receptor tyrosine kinase; minus strand). Cytogenetic location: 2p23.2.
Variant type: single nucleotide variant.
Coding change: c.997A>G on transcript NM_004304.5 (MANE Select); coding-DNA position 997, A replaced by G.
Protein change: p.Ile333Val; replaces isoleucine 333 with valine.
Molecular consequence: missense variant.
Genome position (GRCh38, 1-based): chr2:29,532,072, T>C on the plus strand (A>G on the coding strand, the complement: ALK is on the minus strand). VCF-style: chr2-29532072-T-C. GRCh37 (hg19) VCF-style: chr2-29754938-T-C.
Other names: short protein forms I333V.
Identifiers: ClinVar variation 5035131 (VCV005035131.1).

ClinVar aggregate classification (germline): Uncertain significance (1 of 4 stars; one submission).

Conditions:
Hereditary cancer-predisposing syndrome. Also called: Hereditary Cancer Syndrome; Neoplastic Syndromes, Hereditary; Tumor predisposition; Hereditary neoplastic syndrome. Identifiers: Orphanet 140162, MedGen C0027672, MeSH D009386, MONDO:0015356.

Submission:

Ambry Genetics
Classification: Uncertain significance for Hereditary cancer-predisposing syndrome. Last evaluated: 2026-07-04. Review status: criteria provided, single submitter. Criteria: Ambry Variant Classification Scheme 2023. Collection method: clinical testing. Allele origin: germline.
Comment: The p.I333V variant (also known as c.997A>G), located in coding exon 4 of the ALK gene, results from an A to G substitution at nucleotide position 997. The isoleucine at codon 333 is replaced by valine, an amino acid with highly similar properties. This amino acid position is conserved. In addition, this alteration is predicted to be tolerated by in silico analysis. Based on the available evidence, the clinical significance of this variant remains unclear.